The following is an entry in ClinVar:

ClinVar aggregate classification (germline): Uncertain significance (1 of 4 stars; one submission).

Submission:

Labcorp Genetics (formerly Invitae), Labcorp
Classification: Uncertain significance. Last evaluated: 2022-10-18. Review status: criteria provided, single submitter. Criteria: Invitae Variant Classification Sherloc (09022015). Collection method: clinical testing. Allele origin: germline.
Comment: This sequence change replaces proline, which is neutral and non-polar, with serine, which is neutral and polar, at codon 163 of the SLC4A11 protein (p.Pro163Ser). This variant is not present in population databases (gnomAD no frequency). This variant has not been reported in the literature in individuals affected with SLC4A11-related conditions. ClinVar contains an entry for this variant (Variation ID: 1524205). Algorithms developed to predict the effect of missense changes on protein structure and function output the following: SIFT: "Tolerated"; PolyPhen-2: "Benign"; Align-GVGD: "Class C0". The serine amino acid residue is found in multiple mammalian species, which suggests that this missense change does not adversely affect protein function. In summary, the available evidence is currently insufficient to determine the role of this variant in disease. Therefore, it has been classified as a Variant of Uncertain Significance.

NM_001174089.2(SLC4A11):c.439C>T (p.Pro147Ser)

Gene: SLC4A11 (solute carrier family 4 member 11; minus strand). Cytogenetic location: 20p13.
Variant type: single nucleotide variant.
Coding change: c.439C>T on transcript NM_001174089.2 (MANE Select); coding-DNA position 439, C replaced by T.
Protein change: p.Pro147Ser; replaces proline 147 with serine.
Molecular consequence: missense variant. On other transcripts: non-coding transcript variant (1).
Genome position (GRCh38, 1-based): chr20:3,234,167, G>A on the plus strand (C>T on the coding strand, the complement: SLC4A11 is on the minus strand). VCF-style: chr20-3234167-G-A. GRCh37 (hg19) VCF-style: chr20-3214813-G-A.
Other names: c.568C>T, p.Pro190Ser (NM_001174090.2); c.439C>T, p.Pro147Ser (NM_001363745.2); c.487C>T, p.Pro163Ser (NM_032034.4); short protein forms P163S, P147S, P190S.
Identifiers: ClinVar variation 1524205 (VCV001524205.6), dbSNP rs1251613187, ClinGen allele CA408093633.